The following continues an entry in ClinVar:

NM_000059.4(BRCA2):c.6405_6409del (p.Asn2135fs)

Gene: BRCA2. ClinVar aggregate classification (germline): Pathogenic. Pathogenic (1).

Submissions 10 to 21 of 57:

GeneKor MSA
Classification: Pathogenic for Hereditary breast ovarian cancer syndrome. Last evaluated: 2025-06-17. Review status: criteria provided, single submitter. Criteria: ACMG Guidelines, 2015. Collection method: clinical testing. Allele origin: germline. Not counted in ClinVar's aggregate classification.
Comment: This variant is a deletion of 5 nucleotides in exon 11 of the BRCA2 mRNA, c.(6405_6409delCTTAA), causing a frameshift after codon 2135 and the creation of a premature translational stop signal 3 amino acid residues later p.(Asn2135Lysfs*3). This is expected to result in an absent or disrupted protein product. Truncating variants in the BRCA2 gene are known to be pathogenic (PMID:20104584). This variant is present in population databases (rs80359584). This variant has been described in international literature in individuals affected with breast and/or ovarian cancer (PMID:29161300). ClinVar contains entries for this variant where is listed as pathogenic (VCV000038043.99). Based on the classification criteria set by the ACMG and AMP (PMID:25741868), this variant has been classified as pathogenic.

Molecular Diagnostics Laboratory, Catalan Institute of Oncology
Classification: Pathogenic for Hereditary cancer-predisposing syndrome. Last evaluated: 2025-06-15. Review status: criteria provided, single submitter. Criteria: ClinGen BRCA1BRCA2 ACMG Specifications BRCA2 V1.0.0. Collection method: clinical testing. Allele origin: germline. Not counted in ClinVar's aggregate classification.
Comment: PVS1, PM5_PTC_Strong c.6405_6409del, located in exon 11 of the BRCA2 gene, consists in the deletion of 5 nucleotides, causing a translational frameshift with a predicted alternate stop codon (p.(Asn2135Lysfs*3)). This alteration is expected to result in loss of function by premature protein truncation or nonsense-mediated mRNA decay (PVS1, PM5_PTC_Strong). It is not present in the population database gnomAD v2.1.1, non cancer dataset). The SpliceAI algorithm predicts no significant impact on splicing. In addition, multiple clinical databases (BRCA Exchange, ClinVar, LOVD) classified this variant as pathogenic. Based on currently available information, the variant c.6405_6409del is classified as a pathogenic variant according to ClinGen- BRCA1 and BRCA2 Guidelines version 1.0.0.

Institute of Human Genetics, FAU Erlangen, Friedrich-Alexander-Universität Erlangen-Nürnberg
Classification: Pathogenic. Last evaluated: 2025-05-30. Review status: criteria provided, single submitter. Criteria: Hauer et al. (Genet Med. 2018). Collection method: clinical testing. Allele origin: germline. Inheritance: Unknown mechanism. Affected: yes. Observed: 1 variant allele. Not counted in ClinVar's aggregate classification.
Comment: This variant has been identified by standard clinical testing.

Ambry Genetics
Classification: Pathogenic for Hereditary cancer-predisposing syndrome. Last evaluated: 2025-04-09. Review status: criteria provided, single submitter. Criteria: Ambry Variant Classification Scheme 2023. Collection method: clinical testing. Allele origin: germline. Not counted in ClinVar's aggregate classification.
Comment: The c.6405_6409delCTTAA pathogenic mutation, located in coding exon 10 of the BRCA2 gene, results from a deletion of 5 nucleotides at nucleotide positions 6405 to 6409, causing a translational frameshift with a predicted alternate stop codon (p.N2135Kfs*3). This mutation has been identified in multiple patients and families with hereditary breast and ovarian cancer syndrome (Gayther SA et al. Nat. Genet. 1997 Jan;15:103-5; Zhang S et al. Gynecol. Oncol. 2011 May;121:353-7; Kote-Jarai Z et al. Br. J. Cancer. 2011 Oct;105:1230-4; de Juan I et al. Fam. Cancer. 2015 Dec;14:505-13; Alemar B et al. Cancer Genet. 2016 Sep;209:417-422; Meisel C et al. Arch. Gynecol. Obstet. 2017 May;295(5):1227-1238; Li A et al. Gynecol. Oncol. 2018 10;151(1):145-152). Of note, this alteration is also designated as 6405delCTTAA, 6630del5, and 6633del5 in published literature. In addition to the clinical data presented in the literature, this alteration is expected to result in loss of function by premature protein truncation or nonsense-mediated mRNA decay. As such, this alteration is interpreted as a disease-causing mutation.

Cambridge Genomics Laboratory, East Genomic Laboratory Hub, NHS Genomic Medicine Service
Classification: Pathogenic for Inherited ovarian cancer (without breast cancer). Last evaluated: 2024-10-30. Review status: criteria provided, single submitter. Criteria: ACGS Best Practice Guidelines for Variant Classification in Rare Disease 2020. Collection method: clinical testing. Allele origin: germline. Affected: yes. Not counted in ClinVar's aggregate classification.
Comment: PVS1,PS4_Very Strong,PM5_Strong

Genomics and Molecular Medicine Service, East Genomic Laboratory Hub, NHS Genomic Medicine Service
Classification: Pathogenic for Inherited breast cancer and ovarian cancer. Last evaluated: 2024-10-16. Review status: criteria provided, single submitter. Criteria: ACGS Best Practice Guidelines for Variant Classification in Rare Disease 2020. Collection method: clinical testing. Allele origin: germline. Affected: yes. Not counted in ClinVar's aggregate classification.
Comment: PVS1,PM5_Strong

All of Us Research Program, National Institutes of Health
Classification: Pathogenic for BRCA2-related cancer predisposition. Last evaluated: 2024-09-16. Review status: criteria provided, single submitter. Criteria: ACMG Guidelines, 2015. Collection method: clinical testing. Allele origin: germline. Inheritance: Autosomal dominant inheritance. Observed: 3 variant alleles, 3 heterozygotes. Not counted in ClinVar's aggregate classification.
Comment: The c.6405_6409del (p.Asn2135Lysfs*3) variant in the BRCA2 gene is located on the exon 11 and is predicted to cause shift of reading frame that introduces a premature translation termination codon (p.Asn2135Lysfs*3), resulting in an absent or disrupted protein product. The variant has been reported in multiple individuals with breast or ovarian cancer (PMID: 36171877, 31706072, 33606809, 30287823). Loss-of-function variants of BRCA2 are known to be pathogenic (PMID: 8988179, 11897832, 29446198). The variant is reported in ClinVar as pathogenic (ID: 38043) and reviewed by the expert panel. The variant is rare in the general population according to gnomAD (1/240630). Therefore, the c.6405_6409del (p.Asn2135Lysfs*3) variant of BRCA2 has been classified as pathogenic.

This study involves interpretation of variants in research participants for the purpose of population health screening. Participant phenotype was not available at the time of variant classification. Additional details can be found in publication PMID: 35346344, PMCID: PMC8962531

ARUP Laboratories, Molecular Genetics and Genomics, ARUP Laboratories
Classification: Pathogenic. Last evaluated: 2024-09-12. Review status: criteria provided, single submitter. Criteria: ARUP Molecular Germline Variant Investigation Process 2024. Collection method: clinical testing. Allele origin: germline. Not counted in ClinVar's aggregate classification.
Comment: The BRCA2 c.6405_6409del; p.Asn2135LysfsTer3 variant (rs80359584) is reported in the medical literature in individuals with breast cancer or hereditary breast and ovarian cancer syndrome (Alemar 2016, Deng 2019, Momozawa 2018, Wen 2018, Whitworth 2018). This variant is only observed on one allele (1/240,630 chromosomes) in the Genome Aggregation Database (v2.1.1), indicating it is not a common polymorphism. This variant causes a frameshift by deleting five nucleotides, so it is predicted to result in a truncated protein or mRNA subject to nonsense-mediated decay. Considering available information, this variant is considered to be pathogenic. References: Alemar B et al. Prevalence of Hispanic BRCA1 and BRCA2 mutations among hereditary breast and ovarian cancer patients from Brazil reveals differences among Latin American populations. Cancer Genet. 2016 Sep;209(9):417-422. PMID: 27425403. Deng M et al. Prevalence and clinical outcomes of germline mutations in BRCA1/2 and PALB2 genes in 2769 unselected breast cancer patients in China. Int J Cancer. 2019 Sep 15;145(6):1517-1528. PMID: 30720863. Momozawa Y et al. Germline pathogenic variants of 11 breast cancer genes in 7,051 Japanese patients and 11,241 controls. Nat Commun. 2018 Oct 4;9(1):4083. PMID: 30287823. Wen WX et al. Inherited mutations in BRCA1 and BRCA2 in an unselected multiethnic cohort of Asian patients with breast cancer and healthy controls from Malaysia. J Med Genet. 2018 Feb;55(2):97-103. PMID: 28993434. Whitworth J et al. Comprehensive Cancer-Predisposition Gene Testing in an Adult Multiple Primary Tumor Series Shows a Broad Range of Deleterious Variants and Atypical Tumor Phenotypes. Am J Hum Genet. 2018 Jul 5;103(1):3-18. PMID: 29909963.

Color Diagnostics, LLC DBA Color Health
Classification: Pathogenic for Hereditary cancer-predisposing syndrome. Last evaluated: 2024-07-23. Review status: criteria provided, single submitter. Criteria: ACMG Guidelines, 2015. Collection method: clinical testing. Allele origin: germline. Not counted in ClinVar's aggregate classification.
Comment: This variant deletes 5 nucleotides in exon 11 of the BRCA2 gene, creating a frameshift and premature translation stop signal. This variant is expected to result in an absent or non-functional protein product. This variant is also known as c.6402_6406del, 6630del5, and 6633del5 in the literature. This variant has been reported in individuals affected with breast and/or ovarian cancer (PMID: 8988179, 11179017, 17063270, 18489799, 21324516, 25802882, 27425403, 29161300, 30287823). This variant has been identified in 1/240630 chromosomes in the general population by the Genome Aggregation Database (gnomAD). Loss of BRCA2 function is a known mechanism of disease. Based on the available evidence, this variant is classified as Pathogenic.

Fulgent Genetics
Classification: Pathogenic for Familial cancer of breast; Medulloblastoma; Familial prostate cancer; Wilms tumor 1; Fanconi anemia complementation group D1; Breast-ovarian cancer, familial, susceptibility to, 2; Glioma susceptibility 3; Pancreatic cancer, susceptibility to, 2. Last evaluated: 2024-03-25. Review status: criteria provided, single submitter. Criteria: ACMG Guidelines, 2015. Collection method: clinical testing. Allele origin: germline. Not counted in ClinVar's aggregate classification.

Baylor Genetics
Classification: Pathogenic for Familial cancer of breast. Last evaluated: 2024-03-03. Review status: criteria provided, single submitter. Criteria: ACMG Guidelines, 2015. Collection method: clinical testing. Allele origin: unknown. Not counted in ClinVar's aggregate classification.

Mayo Clinic Laboratories, Mayo Clinic
Classification: Pathogenic. Last evaluated: 2024-01-30. Review status: criteria provided, single submitter. Criteria: ACMG Guidelines, 2015. Collection method: clinical testing. Allele origin: germline. Not counted in ClinVar's aggregate classification.
Comment: PM5_strong, PVS1